The following is an entry in ClinVar:

NM_058216.3(RAD51C):c.570G>C (p.Glu190Asp)

Gene: RAD51C (RAD51 paralog C; plus strand). Cytogenetic location: 17q22.
Variant type: single nucleotide variant.
Coding change: c.570G>C on transcript NM_058216.3 (MANE Select); coding-DNA position 570, G replaced by C.
Protein change: p.Glu190Asp; replaces glutamic acid 190 with aspartic acid.
Molecular consequence: missense variant.
Genome position (GRCh38, 1-based): chr17:58,696,858, G>C. VCF-style: chr17-58696858-G-C. GRCh37 (hg19) VCF-style: chr17-56774219-G-C.
Other names: short protein forms E190D.
Identifiers: ClinVar variation 1719635 (VCV001719635.5), dbSNP rs1555594937, ClinGen allele CA400345547.

ClinVar aggregate classification (germline): Uncertain significance (1 of 4 stars; one submission).

Conditions:
Fanconi anemia complementation group O. Also called: RAD51C-Related Fanconi Anemia. Identifiers: Orphanet 84, MedGen C3150653, MONDO:0013248, OMIM 613390.

Submission:

Labcorp Genetics (formerly Invitae), Labcorp
Classification: Uncertain significance for Fanconi anemia complementation group O. Last evaluated: 2022-09-17. Review status: criteria provided, single submitter. Criteria: Invitae Variant Classification Sherloc (09022015). Collection method: clinical testing. Allele origin: germline.
Comment: In summary, the available evidence is currently insufficient to determine the role of this variant in disease. Therefore, it has been classified as a Variant of Uncertain Significance. Algorithms developed to predict the effect of missense changes on protein structure and function (SIFT, PolyPhen-2, Align-GVGD) all suggest that this variant is likely to be tolerated. This variant has not been reported in the literature in individuals affected with RAD51C-related conditions. This variant is not present in population databases (gnomAD no frequency). This sequence change replaces glutamic acid, which is acidic and polar, with aspartic acid, which is acidic and polar, at codon 190 of the RAD51C protein (p.Glu190Asp).